The following is an entry in ClinVar:

NM_000038.6(APC):c.8177T>A (p.Ile2726Asn)

Gene: APC (APC regulator of Wnt signaling pathway; plus strand). Cytogenetic location: 5q22.2.
Variant type: single nucleotide variant.
Coding change: c.8177T>A on transcript NM_000038.6 (MANE Select); coding-DNA position 8177, T replaced by A.
Protein change: p.Ile2726Asn; replaces isoleucine 2726 with asparagine.
Molecular consequence: missense variant. On other transcripts: non-coding transcript variant (2).
Genome position (GRCh38, 1-based): chr5:112,843,771, T>A. VCF-style: chr5-112843771-T-A. GRCh37 (hg19) VCF-style: chr5-112179468-T-A.
Other names: c.8177T>A, p.Ile2726Asn (NM_001127510.3, NM_001354895.2, NM_001407450.1); c.8123T>A, p.Ile2708Asn (NM_001127511.3); c.8231T>A, p.Ile2744Asn (NM_001354896.2, NM_001407447.1, NM_001407448.1 and 1 more transcripts); c.8207T>A, p.Ile2736Asn (NM_001354897.2); c.8102T>A, p.Ile2701Asn (NM_001354898.2); c.8093T>A, p.Ile2698Asn (NM_001354899.2); c.8054T>A, p.Ile2685Asn (NM_001354900.2); c.8000T>A, p.Ile2667Asn (NM_001354901.2, NM_001407453.1); and 11 more; short protein forms I2342N, I2443N, I2566N, I2597N, I2600N, I2625N, I2635N, I2643N.
Identifiers: ClinVar variation 4758796 (VCV004758796.1).

ClinVar aggregate classification (germline): Uncertain significance (1 of 4 stars; one submission).

Conditions:
Hereditary cancer-predisposing syndrome. Also called: Neoplastic Syndromes, Hereditary; Hereditary neoplastic syndrome; Tumor predisposition; Hereditary Cancer Syndrome. Identifiers: Orphanet 140162, MedGen C0027672, MeSH D009386, MONDO:0015356.

Submission:

Color Diagnostics, LLC DBA Color Health
Classification: Uncertain significance for Hereditary cancer-predisposing syndrome. Last evaluated: 2025-06-09. Review status: criteria provided, single submitter. Criteria: ACMG Guidelines, 2015. Collection method: clinical testing. Allele origin: germline.
Comment: This missense variant replaces isoleucine with asparagine at codon 2726 of the APC protein. Computational prediction suggests that this variant may not impact protein structure and function. To our knowledge, functional studies have not been reported for this variant. This variant has not been reported in individuals affected with APC-related disorders in the literature. This variant has not been identified in the general population by the Genome Aggregation Database (gnomAD). The available evidence is insufficient to determine the role of this variant in disease conclusively. Therefore, this variant is classified as a Variant of Uncertain Significance.